The following is an entry in ClinVar:

ClinVar aggregate classification (germline): Uncertain significance (1 of 4 stars; one submission).

Conditions:
PLXNA3-related disorder. Also called: PLXNA3-related condition.

Submission:

PreventionGenetics, part of Exact Sciences
Classification: Uncertain significance for PLXNA3-related condition. Last evaluated: 2026-09-25. Review status: criteria provided, single submitter. Criteria: ACMG Guidelines, 2015. Collection method: clinical testing. Allele origin: germline.
Comment: The PLXNA3 c.730G>A variant is predicted to result in the amino acid substitution p.Asp244Asn. To our knowledge, this variant has not been reported in the literature or in a large population database (gnomAD), indicating this variant is rare. At this time, the clinical significance of this variant is uncertain due to the absence of conclusive functional and genetic evidence.

NM_017514.5(PLXNA3):c.730G>A (p.Asp244Asn)

Gene: PLXNA3 (plexin A3; plus strand). Cytogenetic location: Xq28.
Variant type: single nucleotide variant.
Coding change: c.730G>A on transcript NM_017514.5 (MANE Select); coding-DNA position 730, G replaced by A.
Protein change: p.Asp244Asn; replaces aspartic acid 244 with asparagine.
Molecular consequence: missense variant.
Genome position (GRCh38, 1-based): chrX:154,461,234, G>A. VCF-style: chrX-154461234-G-A. GRCh37 (hg19) VCF-style: chrX-153689574-G-A.
Other names: short protein forms D244N.
Identifiers: ClinVar variation 4982112 (VCV004982112.1).